The following is an entry in ClinVar:

NM_001267550.2(TTN):c.30166G>T (p.Gly10056Cys)

Gene: TTN (titin; minus strand). Cytogenetic location: 2q31.2.
Variant type: single nucleotide variant.
Coding change: c.30166G>T on transcript NM_001267550.2 (MANE Select); coding-DNA position 30166, G replaced by T.
Protein change: p.Gly10056Cys; replaces glycine 10056 with cysteine.
Molecular consequence: missense variant. On other transcripts: intron variant (3).
Genome position (GRCh38, 1-based): chr2:178,704,204, C>A on the plus strand (G>T on the coding strand, the complement: TTN is on the minus strand). VCF-style: chr2-178704204-C-A. GRCh37 (hg19) VCF-style: chr2-179568931-C-A.
Other names: p.G9739C:GGT>TGT; c.29215G>T, p.Gly9739Cys (NM_001256850.1); c.26434G>T, p.Gly8812Cys (NM_133378.4); c.13282+33878G>T (NM_003319.4); c.13858+33878G>T (NM_133437.4); c.13657+33878G>T (NM_133432.3); short protein forms G10056C, G9739C, G8812C.
Identifiers: ClinVar variation 202553 (VCV000202553.5), dbSNP rs794729401, ClinGen allele CA309569.

ClinVar aggregate classification (germline): Uncertain significance. Review status: criteria provided, multiple submitters, no conflicts (2 of 4 stars). 2 submissions from 2 submitters: Uncertain significance (2). Last evaluated 2020-02-21.

Conditions:
Cardiomyopathy (CMYO). Also called: Cardiomyopathies. Identifiers: Orphanet 167848, MedGen C0878544, MONDO:0004994, HP:0001638. Inheritance: Various modes of inheritance.

gnomAD v4.1: 2 of 1,613,946 alleles (0.00012%); highest among the groups gnomAD compares: South Asian, 0.0022%; no homozygotes.

Submissions (2):

CHEO Genetics Diagnostic Laboratory, Children's Hospital of Eastern Ontario
Classification: Uncertain significance for Cardiomyopathy. Last evaluated: 2020-02-21. Review status: criteria provided, single submitter. Criteria: ACMG Guidelines, 2015. Collection method: clinical testing. Allele origin: germline. Study: Canadian Open Genetics Repository.

GeneDx
Classification: Uncertain significance. Last evaluated: 2013-01-14. Review status: criteria provided, single submitter. Criteria: GeneDx Variant Classification (06012015). Collection method: clinical testing. Allele origin: germline. Affected: yes.
Comment: Missense variants in the TTN gene are considered 'unclassified' if they are not previously reported in the literature and do not have >1% frequency in the population to be considered a polymorphism. Research indicates that truncating mutations in the TTN gene are expected to account for approximately 25% of familial and 18% of sporadic idiopathic DCM; however, truncating variants in the TTN gene have been reported in approximately 3% of reported control alleles. There has been little investigation into non-truncating variants. (Herman D et al. Truncations of titin causing dilated cardiomyopathy. N Eng J Med 366:619-628, 2012) The variant is found in DCM panel(s).